The following is an entry in ClinVar:

NM_013275.6(ANKRD11):c.7945G>A (p.Val2649Met)

Gene: ANKRD11 (ankyrin repeat domain 11; minus strand). Cytogenetic location: 16q24.3.
Variant type: single nucleotide variant.
Coding change: c.7945G>A on transcript NM_013275.6 (MANE Select); coding-DNA position 7945, G replaced by A.
Protein change: p.Val2649Met; replaces valine 2649 with methionine.
Molecular consequence: missense variant.
Genome position (GRCh38, 1-based): chr16:89,268,525, C>T on the plus strand (G>A on the coding strand, the complement: ANKRD11 is on the minus strand). VCF-style: chr16-89268525-C-T. GRCh37 (hg19) VCF-style: chr16-89334933-C-T.
Other names: c.7945G>A, p.Val2649Met (NM_001256182.2, NM_001256183.2); short protein forms V2649M.
Identifiers: ClinVar variation 1301284 (VCV001301284.5), dbSNP rs2151660505, ClinGen allele CA397144993.

ClinVar aggregate classification (germline): Pathogenic (1 of 4 stars; one submission).

Submission:

GeneDx
Classification: Pathogenic. Last evaluated: 2026-10-10. Review status: criteria provided, single submitter. Criteria: GeneDx Variant Classification Process June 2021. Collection method: clinical testing. Allele origin: germline.
Comment: In silico analysis suggests that this missense variant does not alter protein structure/function; Not observed at significant frequency in large population cohorts (gnomAD); This variant is associated with the following publications: (PMID: 37586838)